The following is an entry in ClinVar:

ClinVar aggregate classification (germline): Uncertain significance (1 of 4 stars; one submission).

Submission:

Labcorp Genetics (formerly Invitae), Labcorp
Classification: Uncertain significance. Last evaluated: 2020-07-08. Review status: criteria provided, single submitter. Criteria: Invitae Variant Classification Sherloc (09022015). Collection method: clinical testing. Allele origin: germline.
Comment: In summary, the available evidence is currently insufficient to determine the role of this variant in disease. Therefore, it has been classified as a Variant of Uncertain Significance. Algorithms developed to predict the effect of missense changes on protein structure and function (SIFT, PolyPhen-2, Align-GVGD) all suggest that this variant is likely to be tolerated, but these predictions have not been confirmed by published functional studies and their clinical significance is uncertain. This variant has not been reported in the literature in individuals with HOXB13-related conditions. This variant is not present in population databases (ExAC no frequency). This sequence change replaces leucine with valine at codon 53 of the HOXB13 protein (p.Leu53Val). The leucine residue is weakly conserved and there is a small physicochemical difference between leucine and valine.

NM_006361.6(HOXB13):c.157C>G (p.Leu53Val)

Gene: HOXB13 (homeobox B13; minus strand). Cytogenetic location: 17q21.32.
Variant type: single nucleotide variant.
Coding change: c.157C>G on transcript NM_006361.6 (MANE Select); coding-DNA position 157, C replaced by G.
Protein change: p.Leu53Val; replaces leucine 53 with valine.
Molecular consequence: missense variant.
Genome position (GRCh38, 1-based): chr17:48,728,437, G>C on the plus strand (C>G on the coding strand, the complement: HOXB13 is on the minus strand). VCF-style: chr17-48728437-G-C. GRCh37 (hg19) VCF-style: chr17-46805799-G-C.
Other names: short protein forms L53V.
Identifiers: ClinVar variation 1007105 (VCV001007105.8), dbSNP rs1597934989, ClinGen allele CA400109063.